The following is an entry in ClinVar:

NM_024426.6(WT1):c.275dup (p.Gly93fs)

Genes: WT1 (WT1 transcription factor; minus strand), LOC107982234 (WT1/WT1-AS bi-directional promoter region; plus strand). Cytogenetic location: 11p13.
Variant type: Duplication.
Coding change: c.275dup on transcript NM_024426.6 (MANE Select); coding-DNA position 275, one base duplicated (G; older notation c.275dupG).
Protein change: p.Gly93fs; shifts the reading frame from glycine 93.
Molecular consequence: frameshift variant. On other transcripts: non-coding transcript variant (2).
Genome position (GRCh38, 1-based): chr11:32,435,086, C duplicated on the plus strand (G on the coding strand, the reverse complement: WT1 is on the minus strand); the first of 3 consecutive C bases (chr11:32,435,086-32,435,088); duplicating any one gives the same sequence. VCF-style (leftmost placement, unchanged base first): chr11-32435085-A-AC. GRCh37 (hg19) VCF-style: chr11-32456631-A-AC.
Other names: c.275dup, p.Gly93fs (NM_000378.6, NM_001407044.1, NM_001407045.1 and 6 more transcripts); c.258dup, p.Gly88Trpfs (NM_024425.2); short protein forms G93fs.
Identifiers: ClinVar variation 2944949 (VCV002944949.3), dbSNP rs2494484801, ClinGen allele CA2740093680.

ClinVar aggregate classification (germline): Pathogenic (1 of 4 stars; one submission).

Conditions:
Frasier syndrome. Identifiers: Orphanet 347, MedGen C0950122, MeSH D052159, MONDO:0007635, OMIM 136680.
Drash syndrome (DDS). Also called: NEPHROPATHY, WILMS TUMOR, AND GENITAL ANOMALIES; WILMS TUMOR AND PSEUDO- OR TRUE HERMAPHRODITISM. Identifiers: Orphanet 220, MedGen C0950121, MONDO:0008682, OMIM 194080.
Wilms tumor 1 (WT1). Also called: Wilms tumor, somatic. Identifiers: Orphanet 654, MedGen CN033288, MONDO:0008679, OMIM 194070.
11p partial monosomy syndrome (WAGR). Also called: WAGR Spectrum Disorder; CHROMOSOME 11p13 DELETION SYNDROME; WAGR syndrome; WAGR Complex. Identifiers: Orphanet 893, MedGen C0206115, MONDO:0008681, OMIM 194072.

Submission:

Labcorp Genetics (formerly Invitae), Labcorp
Classification: Pathogenic for Wilms tumor 1; Drash syndrome; 11p partial monosomy syndrome; Frasier syndrome. Last evaluated: 2023-03-04. Review status: criteria provided, single submitter. Criteria: Invitae Variant Classification Sherloc (09022015). Collection method: clinical testing. Allele origin: germline.
Comment: For these reasons, this variant has been classified as Pathogenic. This variant has not been reported in the literature in individuals affected with WT1-related conditions. This variant is not present in population databases (gnomAD no frequency). This sequence change creates a premature translational stop signal (p.Gly88Trpfs*111) in the WT1 gene. It is expected to result in an absent or disrupted protein product. Loss-of-function variants in WT1 are known to be pathogenic (PMID: 15150775).

Literature cited by the submitters: PubMed 15150775.